The following is an entry in ClinVar:

ClinVar aggregate classification (germline): Likely benign. Review status: criteria provided, multiple submitters, no conflicts (2 of 4 stars). 4 submissions from 4 submitters: Likely benign (3). 1 of the submissions does not count toward it. Last evaluated 2025-12-10.

Conditions:
ADAMTS9-related disorder. Also called: ADAMTS9-related condition.

Allele frequency attached by ClinVar (database versions not stated): 1000 Genomes Project 30x 0.00016; 1000 Genomes Project 0.00020; TOPMed 0.00192; gnomAD exomes 0.00196 and 0.00203; ExAC 0.00204; gnomAD 0.00234 and 0.00254; ESP Exome Variant Server 0.00338.
gnomAD v4.1: 3,273 of 1,614,032 alleles (0.2%); highest among the groups gnomAD compares: African/African-American, 0.31%; 2 homozygotes.

Submissions (4):

Labcorp Genetics (formerly Invitae), Labcorp
Classification: Likely benign. Last evaluated: 2025-12-10. Review status: criteria provided, single submitter. Criteria: Invitae Variant Classification Sherloc (09022015). Collection method: clinical testing. Allele origin: germline.

Blueprint Genetics
Classification: Likely benign. Last evaluated: 2024-11-21. Review status: criteria provided, single submitter. Criteria: ACMG Guidelines, 2015. Collection method: clinical testing. Allele origin: germline.

Breakthrough Genomics
Classification: Likely benign. Review status: criteria provided, single submitter. Criteria: ACMG Guidelines, 2015. Collection method: not provided. Allele origin: germline. Inheritance: Unknown mechanism. Affected: yes.

PreventionGenetics, part of Exact Sciences
Classification: Likely benign for ADAMTS9-related condition. Last evaluated: 2019-08-09. Review status: no assertion criteria provided. Collection method: clinical testing. Allele origin: germline. Not counted in ClinVar's aggregate classification.
Comment: This variant is classified as likely benign based on ACMG/AMP sequence variant interpretation guidelines (Richards et al. 2015 PMID: 25741868, with internal and published modifications).

NM_182920.2(ADAMTS9):c.5734G>A (p.Val1912Ile)

Gene: ADAMTS9 (ADAM metallopeptidase with thrombospondin type 1 motif 9; minus strand). Cytogenetic location: 3p14.1.
Variant type: single nucleotide variant.
Coding change: c.5734G>A on transcript NM_182920.2 (MANE Select); coding-DNA position 5734, G replaced by A.
Protein change: p.Val1912Ile; replaces valine 1912 with isoleucine.
Molecular consequence: missense variant.
Genome position (GRCh38, 1-based): chr3:64,522,245, C>T on the plus strand (G>A on the coding strand, the complement: ADAMTS9 is on the minus strand). VCF-style: chr3-64522245-C-T. GRCh37 (hg19) VCF-style: chr3-64507921-C-T.
Other names: c.5734G>A (NM_182920.1); c.5650G>A, p.Val1884Ile (NM_001318781.2); short protein forms V1884I, V1912I.
Identifiers: ClinVar variation 1546394 (VCV001546394.12), dbSNP rs75938827, ClinGen allele CA2479995.